The following is an entry in ClinVar:

ClinVar aggregate classification (germline): Likely pathogenic (1 of 4 stars; one submission).

Conditions:
Familial adenomatous polyposis 1 (FAP1). Also called: POLYPOSIS, ADENOMATOUS INTESTINAL; FAMILIAL ADENOMATOUS POLYPOSIS 1, ATTENUATED. Identifiers: MedGen C2713442, MONDO:0021056, OMIM 175100. Disease mechanism: loss of function.

Submission:

Juno Genomics, Hangzhou Juno Genomics, Inc
Classification: Likely pathogenic for Familial adenomatous polyposis 1. Review status: criteria provided, single submitter. Criteria: ACMG Guidelines, 2015. Collection method: clinical testing. Allele origin: germline.
Comment: Absent from controls (or at extremely low frequency if recessive) in Genome Aggregation Database.;Null variant in a gene where loss of function (LOF) is a known mechanism of disease.

NM_000038.6(APC):c.969_973del (p.Gly323_Thr324insTer)

Gene: APC (APC regulator of Wnt signaling pathway; plus strand). Cytogenetic location: 5q22.2.
Variant type: Deletion.
Coding change: c.969_973del on transcript NM_000038.6 (MANE Select); coding-DNA positions 969 to 973, 5 bases deleted (TACTC; older notation c.969_973delTACTC).
Protein change: p.Gly323_Thr324insTer.
Molecular consequence: frameshift variant. On other transcripts: non-coding transcript variant (2), intron variant (15).
Genome position (GRCh38, 1-based): chr5:112,819,001-112,819,005, TACTC deleted. VCF-style (leftmost placement, unchanged base first): chr5-112819000-GTACTC-G. GRCh37 (hg19) VCF-style: chr5-112154697-GTACTC-G.
Other names: c.969_973del, p.Gly323_Thr324insTer (NM_001127510.3, NM_001354895.2, NM_001354896.2 and 4 more transcripts); c.915_919del, p.Gly305_Thr306insTer (NM_001127511.3); c.999_1003del, p.Gly333_Thr334insTer (NM_001354897.2, NM_001407446.1); c.894_898del, p.Gly298_Thr299insTer (NM_001354898.2, NM_001407451.1); c.885_889del, p.Gly295_Thr296insTer (NM_001354899.2, NM_001407452.1); c.792_796del, p.Gly264_Thr265insTer (NM_001354900.2, NM_001354901.2, NM_001407453.1); c.120_124del, p.Gly40_Thr41insTer (NM_001354906.2, NM_001407470.1); c.85-268_85-264del (NM_001407472.1, NM_001407471.1); and 5 more.
Identifiers: ClinVar variation 5007679 (VCV005007679.2).
Genomic context (GRCh38, chr5:112,819,000, plus strand): 5'-TGTTTCTAAACTCATTTGGCCCACAGGTGGAAATGGTGTATTCATTGTTGTCAATGCTTG[GTACTC>G]ATGATAAGGATGATATGTCGCGAACTTTGCTAGCTATGTCTAGCTCCCAAGACAGCTGTA-3'